The following is an entry in ClinVar:

ClinVar aggregate classification (germline): Likely benign. Review status: criteria provided, multiple submitters, no conflicts (2 of 4 stars). 4 submissions from 4 submitters: Likely benign (3). 1 of the submissions does not count toward it. Last evaluated 2026-03-01.

Conditions:
TBC1D7-related disorder. Also called: TBC1D7-related condition.

Allele frequency attached by ClinVar (database versions not stated): 1000 Genomes Project 30x 0.00031; ESP Exome Variant Server 0.00038; 1000 Genomes Project 0.00040.
gnomAD v4.1: 141 of 1,612,686 alleles (0.0087%); highest among the groups gnomAD compares: African/African-American, 0.17%; no homozygotes.

Submissions (4):

CeGaT Center for Human Genetics Tuebingen
Classification: Likely benign. Last evaluated: 2026-03-01. Review status: criteria provided, single submitter. Criteria: CeGaT Center For Human Genetics Tuebingen Variant Classification Criteria Version 2. Collection method: clinical testing. Allele origin: germline. Affected: yes. Observed: 1 variant allele.
Comment: TBC1D7: BP4, BP7

Labcorp Genetics (formerly Invitae), Labcorp
Classification: Likely benign. Last evaluated: 2025-10-26. Review status: criteria provided, single submitter. Criteria: Invitae Variant Classification Sherloc (09022015). Collection method: clinical testing. Allele origin: germline.

Blueprint Genetics
Classification: Likely benign. Last evaluated: 2022-07-08. Review status: criteria provided, single submitter. Criteria: ACMG Guidelines, 2015. Collection method: clinical testing. Allele origin: germline.

PreventionGenetics, part of Exact Sciences
Classification: Likely benign for TBC1D7-related condition. Last evaluated: 2019-09-17. Review status: no assertion criteria provided. Collection method: clinical testing. Allele origin: germline. Not counted in ClinVar's aggregate classification.
Comment: This variant is classified as likely benign based on ACMG/AMP sequence variant interpretation guidelines (Richards et al. 2015 PMID: 25741868, with internal and published modifications).

NM_016495.6(TBC1D7):c.867G>T (p.Pro289=)

Genes: TBC1D7 (TBC1 domain family member 7; minus strand), TBC1D7-LOC100130357 (TBC1D7-LOC100130357 readthrough; minus strand). Cytogenetic location: 6p24.1.
Variant type: single nucleotide variant.
Coding change: c.867G>T on transcript NM_016495.6 (MANE Select); coding-DNA position 867, G replaced by T.
Protein change: p.Pro289=; no amino-acid change (proline 289 retained).
Molecular consequence: synonymous variant.
Genome position (GRCh38, 1-based): chr6:13,305,116, C>A on the plus strand (G>T on the coding strand, the complement: TBC1D7 is on the minus strand). VCF-style: chr6-13305116-C-A. GRCh37 (hg19) VCF-style: chr6-13305348-C-A.
Other names: c.867G>T, p.Pro289= (NM_001318809.2, NM_001143964.4, NM_001143965.4 and 1 more transcripts); c.786G>T, p.Pro262= (NM_001143966.4); c.729G>T, p.Pro243= (NM_001258457.3).
Identifiers: ClinVar variation 3040384 (VCV003040384.9), dbSNP rs141538050, ClinGen allele CA3639603.
Genomic context (GRCh38, chr6:13,305,116, plus strand): 5'-GCTCACTGTGGTGCCTGGCAGACGGTCCACAACCAGCGGGTGCGTTCAGCTTGAATGGAC[C>A]GGGGTCCCACAGTGTTTGTGCCACAAGTCAATGGCCTTGCTCACGATCGCGTCTGAGCTG-3'
Protein context (NP_057579.1, residues 279-293): IDLWHKHCGT[Pro289=]VHSS